The following is an entry in ClinVar:

ClinVar aggregate classification (germline): Likely benign. Review status: criteria provided, multiple submitters, no conflicts (2 of 4 stars). 3 submissions from 3 submitters: Likely benign (2). 1 of the submissions does not count toward it. Last evaluated 2025-10-24.

Conditions:
NSMCE2-related disorder. Also called: NSMCE2-related condition.

Allele frequency attached by ClinVar (database versions not stated): TOPMed 0.00001; gnomAD 0.00005; gnomAD exomes 0.00009; ExAC 0.00032; 1000 Genomes Project 30x 0.00047; 1000 Genomes Project 0.00060.
gnomAD v4.1: 155 of 1,600,350 alleles (0.0097%); highest among the groups gnomAD compares: South Asian, 0.15%; no homozygotes.

Submissions (3):

Labcorp Genetics (formerly Invitae), Labcorp
Classification: Likely benign. Last evaluated: 2025-10-24. Review status: criteria provided, single submitter. Criteria: Invitae Variant Classification Sherloc (09022015). Collection method: clinical testing. Allele origin: germline.

Blueprint Genetics
Classification: Likely benign. Last evaluated: 2024-10-01. Review status: criteria provided, single submitter. Criteria: ACMG Guidelines, 2015. Collection method: clinical testing. Allele origin: germline.

PreventionGenetics, part of Exact Sciences
Classification: Likely benign for NSMCE2-related condition. Last evaluated: 2019-12-09. Review status: no assertion criteria provided. Collection method: clinical testing. Allele origin: germline. Not counted in ClinVar's aggregate classification.
Comment: This variant is classified as likely benign based on ACMG/AMP sequence variant interpretation guidelines (Richards et al. 2015 PMID: 25741868, with internal and published modifications).

NM_173685.4(NSMCE2):c.735T>C (p.His245=)

Gene: NSMCE2 (NSE2 SUMO ligase component of SMC5/6 complex; plus strand). Cytogenetic location: 8q24.13.
Variant type: single nucleotide variant.
Coding change: c.735T>C on transcript NM_173685.4 (MANE Select); coding-DNA position 735, T replaced by C.
Protein change: p.His245=; no amino-acid change (histidine 245 retained).
Molecular consequence: synonymous variant. On other transcripts: non-coding transcript variant (1).
Genome position (GRCh38, 1-based): chr8:125,366,876, T>C. VCF-style: chr8-125366876-T-C. GRCh37 (hg19) VCF-style: chr8-126379118-T-C.
Other names: c.735T>C, p.His245= (NM_001349485.2, NM_001349486.2).
Identifiers: ClinVar variation 3049251 (VCV003049251.5), dbSNP rs536739916, ClinGen allele CA4874487.